The following is an entry in ClinVar:

NM_005502.4(ABCA1):c.1498C>T (p.Arg500Cys)

Gene: ABCA1 (ATP binding cassette subfamily A member 1; minus strand). Cytogenetic location: 9q31.1.
Variant type: single nucleotide variant.
Coding change: c.1498C>T on transcript NM_005502.4 (MANE Select); coding-DNA position 1498, C replaced by T.
Protein change: p.Arg500Cys; replaces arginine 500 with cysteine.
Molecular consequence: missense variant.
Genome position (GRCh38, 1-based): chr9:104,832,585, G>A on the plus strand (C>T on the coding strand, the complement: ABCA1 is on the minus strand). VCF-style: chr9-104832585-G-A. GRCh37 (hg19) VCF-style: chr9-107594866-G-A.
Other names: short protein forms R500C.
Identifiers: ClinVar variation 2662748 (VCV002662748.1), dbSNP rs745615655, ClinGen allele CA5169005.

ClinVar aggregate classification (germline): Uncertain significance (1 of 4 stars; one submission).

Allele frequency attached by ClinVar (database versions not stated): gnomAD exomes below 0.00001; TOPMed below 0.00001; ExAC 0.00002; gnomAD 0.00002.
gnomAD v4.1: 7 of 1,614,032 alleles (0.00043%); highest among the groups gnomAD compares: African/African-American, 0.004%; no homozygotes.

Submission:

GeneDx
Classification: Uncertain significance. Last evaluated: 2023-04-24. Review status: criteria provided, single submitter. Criteria: GeneDx Variant Classification Process June 2021. Collection method: clinical testing. Allele origin: germline. Affected: yes.
Comment: Has not been previously published as pathogenic or benign to our knowledge; Not observed at significant frequency in large population cohorts (gnomAD); In silico analysis supports that this missense variant has a deleterious effect on protein structure/function